The following is an entry in ClinVar:

ClinVar aggregate classification (germline): Uncertain significance. Review status: criteria provided, multiple submitters, no conflicts (2 of 4 stars). 4 submissions from 4 submitters: Uncertain significance (4). Last evaluated 2026-03-06.

Conditions:
SCLT1-related disorder. Also called: SCLT1-related condition.

Allele frequency attached by ClinVar (database versions not stated): ESP Exome Variant Server 0.00015.
gnomAD v4.1: 238 of 1,612,012 alleles (0.015%); highest among the groups gnomAD compares: Non-Finnish European, 0.019%; no homozygotes.

Submissions (4):

PreventionGenetics, part of Exact Sciences
Classification: Uncertain significance for SCLT1-related condition. Last evaluated: 2026-03-06. Review status: criteria provided, single submitter. Criteria: ACMG Guidelines, 2015. Collection method: clinical testing. Allele origin: germline.
Comment: The SCLT1 c.1597A>G variant is predicted to result in the amino acid substitution p.Ile533Val. This variant was identified in combination with another uncertain SCLT1 variant, two uncertain variants in the ADGRV1 gene, and another uncertain variant in IMPG1 in an individual with isolated retinitis pigmentosa (Kellner et al. 2025. PubMed ID: 39963372). This variant is reported in 0.032% of alleles in individuals of European (Finnish) descent in gnomAD. At this time, the clinical significance of this variant is uncertain due to the absence of conclusive functional and genetic evidence.

Blueprint Genetics
Classification: Uncertain significance. Last evaluated: 2024-11-11. Review status: criteria provided, single submitter. Criteria: ACMG Guidelines, 2015. Collection method: clinical testing. Allele origin: germline.

Labcorp Genetics (formerly Invitae), Labcorp
Classification: Uncertain significance. Last evaluated: 2024-10-08. Review status: criteria provided, single submitter. Criteria: Invitae Variant Classification Sherloc (09022015). Collection method: clinical testing. Allele origin: germline.
Comment: This sequence change replaces isoleucine, which is neutral and non-polar, with valine, which is neutral and non-polar, at codon 533 of the SCLT1 protein (p.Ile533Val). This variant is present in population databases (rs144166835, gnomAD 0.03%). This variant has not been reported in the literature in individuals affected with SCLT1-related conditions. ClinVar contains an entry for this variant (Variation ID: 1400121). An algorithm developed to predict the effect of missense changes on protein structure and function outputs the following: PolyPhen-2: "Benign". The valine amino acid residue is found in multiple mammalian species, which suggests that this missense change does not adversely affect protein function. In summary, the available evidence is currently insufficient to determine the role of this variant in disease. Therefore, it has been classified as a Variant of Uncertain Significance.

Ambry Genetics
Classification: Uncertain significance. Last evaluated: 2024-04-06. Review status: criteria provided, single submitter. Criteria: Ambry Variant Classification Scheme 2023. Collection method: clinical testing. Allele origin: germline.

NM_144643.4(SCLT1):c.1597A>G (p.Ile533Val)

Gene: SCLT1 (sodium channel and clathrin linker 1; minus strand). Cytogenetic location: 4q28.2.
Variant type: single nucleotide variant.
Coding change: c.1597A>G on transcript NM_144643.4 (MANE Select); coding-DNA position 1597, A replaced by G.
Protein change: p.Ile533Val; replaces isoleucine 533 with valine.
Molecular consequence: missense variant.
Genome position (GRCh38, 1-based): chr4:128,943,031, T>C on the plus strand (A>G on the coding strand, the complement: SCLT1 is on the minus strand). VCF-style: chr4-128943031-T-C. GRCh37 (hg19) VCF-style: chr4-129864186-T-C.
Other names: c.1597A>G (NM_144643.3, NM_144643.2); short protein forms I533V.
Identifiers: ClinVar variation 1400121 (VCV001400121.9), dbSNP rs144166835, ClinGen allele CA3079579.
Genomic context (GRCh38, chr4:128,943,031, plus strand): 5'-CATTTAACTCTAGTCTTGAAAATACCTTTACTTTGGCTTTTTTTTGAGCCTCCAGGGCAA[T>C]CTTCCTTAAACTCTCAGTCTCTTTCCGTAACTGTTTATTTTCTTGCTGAAGTTTTAGCCT-3'
Protein context (NP_653244.2, residues 523-543): LRKETESLRK[Ile533Val]ALEAQKKAKV